The following is an entry in ClinVar:

NM_001371589.1(WIZ):c.2741-1430C>T

Gene: WIZ (WIZ zinc finger; minus strand). Cytogenetic location: 19p13.12.
Variant type: single nucleotide variant.
Coding change: c.2741-1430C>T on transcript NM_001371589.1 (MANE Select); 1430 bases into the intron before coding-DNA position 2741, C replaced by T.
Molecular consequence: intron variant. On other transcripts: synonymous variant (2).
Genome position (GRCh38, 1-based): chr19:15,432,612, G>A on the plus strand (C>T on the coding strand, the complement: WIZ is on the minus strand). VCF-style: chr19-15432612-G-A. GRCh37 (hg19) VCF-style: chr19-15543423-G-A.
Other names: c.93C>T, p.Pro31= (NM_001330395.4, NM_001371603.5); c.529+4194C>T (NM_021241.3); c.530-2523C>T (NM_001439249.1, NM_001439250.1); c.530-1430C>T (NM_001439244.1); c.419-2523C>T (NM_001439251.1, NM_001439246.1); c.419-1430C>T (NM_001439245.1); c.2741-2523C>T (NM_001439243.1, NM_001411129.1); c.2741-1430C>T (NM_001439242.1); and 2 more.
Identifiers: ClinVar variation 4873869 (VCV004873869.2).
Genomic context (GRCh38, chr19:15,432,612, plus strand): 5'-CGGCGGCGCGGGGGGTGCCGCGGGGCCCGGGCTCGGGGGGCTGGGCGGGGGCGCCCCCGC[G>A]GGCGCGCGCTCCCGGGCGCCCCCCGCGCGCGGCCCCGCCGCCGCCTTGCTCTCCGCTTTT-3'

ClinVar aggregate classification (germline): Likely benign (1 of 4 stars; one submission).

gnomAD v4.1: 2 of 201,470 alleles (0.00099%); highest among the groups gnomAD compares: Non-Finnish European, 0.0017%; no homozygotes.

Submission:

CeGaT Center for Human Genetics Tuebingen
Classification: Likely benign. Last evaluated: 2026-06-01. Review status: criteria provided, single submitter. Criteria: CeGaT Center For Human Genetics Tuebingen Variant Classification Criteria Version 2. Collection method: clinical testing. Allele origin: germline. Affected: yes. Observed: 1 variant allele.
Comment: WIZ: BP4, BP7